The following is an entry in ClinVar:

NM_173598.6(KSR2):c.2814G>T (p.Leu938=)

Gene: KSR2 (kinase suppressor of ras 2; minus strand). Cytogenetic location: 12q24.22.
Variant type: single nucleotide variant.
Coding change: c.2814G>T on transcript NM_173598.6 (MANE Select); coding-DNA position 2814, G replaced by T.
Protein change: p.Leu938=; no amino-acid change (leucine 938 retained).
Molecular consequence: synonymous variant.
Genome position (GRCh38, 1-based): chr12:117,469,694, C>A on the plus strand (G>T on the coding strand, the complement: KSR2 is on the minus strand). VCF-style: chr12-117469694-C-A. GRCh37 (hg19) VCF-style: chr12-117907499-C-A.
Identifiers: ClinVar variation 4989637 (VCV004989637.1).

ClinVar aggregate classification (germline): Likely benign (1 of 4 stars; one submission).

Conditions:
KSR2-related disorder. Also called: KSR2-related condition.

gnomAD v4.1: 8 of 1,613,306 alleles (0.0005%); highest among the groups gnomAD compares: South Asian, 0.0044%; no homozygotes.

Submission:

PreventionGenetics, part of Exact Sciences
Classification: Likely benign for KSR2-related condition. Last evaluated: 2025-02-28. Review status: criteria provided, single submitter. Criteria: ACMG Guidelines, 2015. Collection method: clinical testing. Allele origin: germline.
Comment: This variant is classified as likely benign based on ACMG/AMP sequence variant interpretation guidelines (Richards et al. 2015 PMID: 25741868, with internal and published modifications).